The following is an entry in ClinVar:

ClinVar aggregate classification (germline): Uncertain significance. Review status: criteria provided, single submitter (1 of 4 stars). 2 submissions from 2 submitters: Uncertain significance (1). 1 of the submissions does not count toward it. Last evaluated 2025-02-02.

Conditions:
Autism (AUTS). Also called: Autistic disorder; Autistic disorder of childhood onset. Identifiers: MedGen C0004352, MeSH D001321, MONDO:0005260, OMIM 209850, HP:0000717.

Allele frequency attached by ClinVar (database versions not stated): TOPMed 0.00002.

Submissions (2):

Dasa
Classification: Uncertain significance. Last evaluated: 2025-02-02. Review status: criteria provided, single submitter. Criteria: DASA Assertion Criteria. Collection method: clinical testing. Allele origin: germline.
Comment: NM_001372044.2(SHANK3):c.431A>G (p.Asp144Gly) is a missense variant that results in the substitution of aspartic acid with glycine. This variant is rare in population databases. Computational prediction algorithms are consistent with a benign effect. The currently available literature and clinical evidence are not sufficient to establish a definitive association between this variant and the reported condition. Therefore, this variant is classified as a variant of uncertain significance.

Genetics Laboratory, Facudade de Medicina de Sao Jose do Rio Preto
Classification: Uncertain significance for Autism. Last evaluated: 2016-01-01. Review status: no assertion criteria provided. Collection method: research. Allele origin: de novo. Affected: yes. Observed: 1 variant allele. Not counted in ClinVar's aggregate classification.

NM_001372044.2(SHANK3):c.431A>G (p.Asp144Gly)

Gene: SHANK3 (SH3 and multiple ankyrin repeat domains 3; plus strand). Cytogenetic location: 22q13.33.
Variant type: single nucleotide variant.
Coding change: c.431A>G on transcript NM_001372044.2 (MANE Select); coding-DNA position 431, A replaced by G.
Protein change: p.Asp144Gly; replaces aspartic acid 144 with glycine.
Molecular consequence: missense variant.
Genome position (GRCh38, 1-based): chr22:50,675,190, A>G. VCF-style: chr22-50675190-A-G. GRCh37 (hg19) VCF-style: chr22-51113618-A-G.
Other names: c.206A>G, p.Asp69Gly (NM_033517.1); short protein forms D69G, D144G.
Identifiers: ClinVar variation 437881 (VCV000437881.5), dbSNP rs1005062028, ClinGen allele CA325556957.